The following is an entry in ClinVar:

ClinVar aggregate classification (germline): Likely benign. Review status: criteria provided, single submitter (1 of 4 stars). 2 submissions from 2 submitters: Likely benign (1). 1 of the submissions does not count toward it. Last evaluated 2025-11-01.

Conditions:
SLIT3-related disorder. Also called: SLIT3-related condition.

Allele frequency attached by ClinVar (database versions not stated): 1000 Genomes Project 0.00060; 1000 Genomes Project 30x 0.00062; ExAC 0.00184; TOPMed 0.00197; gnomAD 0.00198; ESP Exome Variant Server 0.00246; gnomAD exomes 0.00333.
gnomAD v4.1: 5,156 of 1,611,642 alleles (0.32%); highest among the groups gnomAD compares: Non-Finnish European, 0.38%; 10 homozygotes.

Submissions (2):

CeGaT Center for Human Genetics Tuebingen
Classification: Likely benign. Last evaluated: 2025-11-01. Review status: criteria provided, single submitter. Criteria: CeGaT Center For Human Genetics Tuebingen Variant Classification Criteria Version 2. Collection method: clinical testing. Allele origin: germline. Affected: yes. Observed: 5 variant alleles.
Comment: SLIT3: BP4, BP7

PreventionGenetics, part of Exact Sciences
Classification: Likely benign for SLIT3-related condition. Last evaluated: 2021-10-28. Review status: no assertion criteria provided. Collection method: clinical testing. Allele origin: germline. Not counted in ClinVar's aggregate classification.
Comment: This variant is classified as likely benign based on ACMG/AMP sequence variant interpretation guidelines (Richards et al. 2015 PMID: 25741868, with internal and published modifications).

NM_003062.4(SLIT3):c.1323C>T (p.Cys441=)

Gene: SLIT3 (slit guidance ligand 3; minus strand). Cytogenetic location: 5q34.
Variant type: single nucleotide variant.
Coding change: c.1323C>T on transcript NM_003062.4 (MANE Select); coding-DNA position 1323, C replaced by T.
Protein change: p.Cys441=; no amino-acid change (cysteine 441 retained).
Molecular consequence: synonymous variant.
Genome position (GRCh38, 1-based): chr5:168,772,917, G>A on the plus strand (C>T on the coding strand, the complement: SLIT3 is on the minus strand). VCF-style: chr5-168772917-G-A. GRCh37 (hg19) VCF-style: chr5-168199922-G-A.
Other names: c.1323C>T (NM_001271946.1); c.1323C>T, p.Cys441= (NM_001271946.2).
Identifiers: ClinVar variation 2656062 (VCV002656062.25), dbSNP rs140499772, ClinGen allele CA3551752.